The following is an entry in ClinVar:

ClinVar aggregate classification (germline): Uncertain significance (1 of 4 stars; one submission).

Submission:

Labcorp Genetics (formerly Invitae), Labcorp
Classification: Uncertain significance. Last evaluated: 2022-07-12. Review status: criteria provided, single submitter. Criteria: Invitae Variant Classification Sherloc (09022015). Collection method: clinical testing. Allele origin: germline.
Comment: This variant is not present in population databases (gnomAD no frequency). This sequence change replaces aspartic acid, which is acidic and polar, with asparagine, which is neutral and polar, at codon 855 of the CACNA1D protein (p.Asp855Asn). This variant has not been reported in the literature in individuals affected with CACNA1D-related conditions. ClinVar contains an entry for this variant (Variation ID: 1424634). Algorithms developed to predict the effect of missense changes on protein structure and function are either unavailable or do not agree on the potential impact of this missense change (SIFT: "Deleterious"; PolyPhen-2: "Benign"; Align-GVGD: "Class C0"). In summary, the available evidence is currently insufficient to determine the role of this variant in disease. Therefore, it has been classified as a Variant of Uncertain Significance.

NM_001128840.3(CACNA1D):c.2503G>A (p.Asp835Asn)

Gene: CACNA1D (calcium voltage-gated channel subunit alpha1 D; plus strand). Cytogenetic location: 3p21.1.
Variant type: single nucleotide variant.
Coding change: c.2503G>A on transcript NM_001128840.3 (MANE Select); coding-DNA position 2503, G replaced by A.
Protein change: p.Asp835Asn; replaces aspartic acid 835 with asparagine.
Molecular consequence: missense variant.
Genome position (GRCh38, 1-based): chr3:53,732,844, G>A. VCF-style: chr3-53732844-G-A. GRCh37 (hg19) VCF-style: chr3-53766871-G-A.
Other names: c.2563G>A, p.Asp855Asn (NM_000720.4); c.2503G>A, p.Asp835Asn (NM_001128839.3); short protein forms D835N, D855N.
Identifiers: ClinVar variation 1424634 (VCV001424634.6), dbSNP rs2108771710, ClinGen allele CA353241444.